The following is an entry in ClinVar:

NM_002439.5(MSH3):c.1846C>T (p.Arg616Cys)

Gene: MSH3 (mutS homolog 3; plus strand). Cytogenetic location: 5q14.1.
Variant type: single nucleotide variant.
Coding change: c.1846C>T on transcript NM_002439.5 (MANE Select); coding-DNA position 1846, C replaced by T.
Protein change: p.Arg616Cys; replaces arginine 616 with cysteine.
Molecular consequence: missense variant.
Genome position (GRCh38, 1-based): chr5:80,761,628, C>T. VCF-style: chr5-80761628-C-T. GRCh37 (hg19) VCF-style: chr5-80057447-C-T.
Other names: p.Arg616Cys; short protein forms R616C.
Identifiers: ClinVar variation 820187 (VCV000820187.21), dbSNP rs372874549, ClinGen allele CA3328062.
Genomic context (GRCh38, chr5:80,761,628, plus strand): 5'-GCTGTATCGGAAGTTCTCCATTCAGAATCTAGTGTGTTTGGTCAGATAGAAAATCATCTA[C>T]GTAAATTGCCCGACATAGAGAGGGGACTCTGTAGCATTTATCACAAAAAAGTAAGTGTGA-3'
Protein context (NP_002430.3, residues 606-626): SVFGQIENHL[Arg616Cys]KLPDIERGLC

ClinVar aggregate classification (germline): Uncertain significance. Review status: criteria provided, multiple submitters, no conflicts (2 of 4 stars). 9 submissions from 9 submitters: Uncertain significance (9). Last evaluated 2026-01-13.

Conditions:
MSH3-related disorder. Also called: MSH3-related condition.
Hereditary cancer-predisposing syndrome. Also called: Neoplastic Syndromes, Hereditary; Hereditary Cancer Syndrome; Tumor predisposition; Hereditary neoplastic syndrome. Identifiers: Orphanet 140162, MedGen C0027672, MeSH D009386, MONDO:0015356.
Endometrial carcinoma. Also called: Endometrial carcinoma, somatic. Identifiers: MedGen C0476089, MONDO:0002447, OMIM 608089, HP:0012114.
Familial adenomatous polyposis 4 (FAP4). Also called: MSH3-related attenuated familial adenomatous polyposis. Identifiers: Orphanet 480536, MedGen C4310719, MONDO:0044300, OMIM 617100.

Allele frequency attached by ClinVar (database versions not stated): gnomAD 0.00002; gnomAD exomes 0.00002 and 0.00004; TOPMed 0.00003; ESP Exome Variant Server 0.00008; ExAC 0.00002.
gnomAD v4.1: 31 of 1,613,854 alleles (0.0019%); highest among the groups gnomAD compares: African/African-American, 0.017%; no homozygotes.

Submissions (9):

Labcorp Genetics (formerly Invitae), Labcorp
Classification: Uncertain significance. Last evaluated: 2026-01-13. Review status: criteria provided, single submitter. Criteria: Invitae Variant Classification Sherloc (09022015). Collection method: clinical testing. Allele origin: germline.
Comment: This sequence change replaces arginine, which is basic and polar, with cysteine, which is neutral and slightly polar, at codon 616 of the MSH3 protein (p.Arg616Cys). This variant is present in population databases (rs372874549, gnomAD 0.01%). This variant has not been reported in the literature in individuals affected with MSH3-related conditions. ClinVar contains an entry for this variant (Variation ID: 820187). An algorithm developed to predict the effect of missense changes on protein structure and function outputs the following: PolyPhen-2: "Benign". The cysteine amino acid residue is found in multiple mammalian species, which suggests that this missense change does not adversely affect protein function. In summary, the available evidence is currently insufficient to determine the role of this variant in disease. Therefore, it has been classified as a Variant of Uncertain Significance.

PreventionGenetics, part of Exact Sciences
Classification: Uncertain significance for MSH3-related condition. Last evaluated: 2026-01-10. Review status: criteria provided, single submitter. Criteria: ACMG Guidelines, 2015. Collection method: clinical testing. Allele origin: germline.
Comment: The MSH3 c.1846C>T variant is predicted to result in the amino acid substitution p.Arg616Cys. This variant has been reported in an individual with myeloid malignancy (Table S5, Li et al. 2020. PubMed ID: 31911633) as well as an unaffected control (Supplemental Data, Pritchard et al. 2018. PubMed ID: 29641532). This variant is reported in 0.012% of alleles in individuals of Latino descent in gnomAD and is classified as a variant of uncertain significance in ClinVar (Variation ID: 820187). At this time, the clinical significance of this variant is uncertain due to the absence of conclusive functional and genetic evidence.

Mayo Clinic Laboratories, Mayo Clinic
Classification: Uncertain significance. Last evaluated: 2025-09-09. Review status: criteria provided, single submitter. Criteria: ACMG Guidelines, 2015. Collection method: clinical testing. Allele origin: germline. Observed: 1 variant allele.
Comment: BP4

Quest Diagnostics Nichols Institute San Juan Capistrano
Classification: Uncertain significance. Last evaluated: 2025-09-08. Review status: criteria provided, single submitter. Criteria: Quest Diagnostics criteria. Collection method: clinical testing. Allele origin: unknown.
Comment: The MSH3 c.1846C>T (p.Arg616Cys) variant has been reported in the published literature in individuals with glioblastoma (PMID: 39143272 (2024)), and myeloid malignancy (PMID: 31911633 (2020)), as well as in a reportedly unaffected individual (PMID: 29641532 (2018)). The frequency of this variant in the general population (Genome Aggregation Database) is uninformative in the assessment of its pathogenicity. Analysis of this variant using bioinformatics tools for the prediction of the effect of amino acid changes on protein structure and function yielded predictions that this variant is benign. Based on the available information, we are unable to determine the clinical significance of this variant.

Department of Pathology and Laboratory Medicine, Sinai Health System
Classification: Uncertain significance for Endometrial carcinoma; Familial adenomatous polyposis 4. Last evaluated: 2024-04-12. Review status: criteria provided, single submitter. Criteria: ACMG Guidelines, 2015. Collection method: clinical testing. Allele origin: germline. Affected: no.

Baylor Genetics
Classification: Uncertain significance for Endometrial carcinoma. Last evaluated: 2024-03-10. Review status: criteria provided, single submitter. Criteria: ACMG Guidelines, 2015. Collection method: clinical testing. Allele origin: unknown.

Ambry Genetics
Classification: Uncertain significance for Hereditary cancer-predisposing syndrome. Last evaluated: 2023-12-08. Review status: criteria provided, single submitter. Criteria: Ambry Variant Classification Scheme 2023. Collection method: clinical testing. Allele origin: germline.
Comment: The p.R616C variant (also known as c.1846C>T), located in coding exon 13 of the MSH3 gene, results from a C to T substitution at nucleotide position 1846. The arginine at codon 616 is replaced by cysteine, an amino acid with highly dissimilar properties. This alteration was identified in 1/1358 non-cancer control individuals and in 0/57 cases, in a study looking at cancer predisposition mutations in patients with cutaneous melanoma and a history of at least two additional non-cutaneous melanoma primary cancers (Pritchard AL et al. PLoS One, 2018 Apr;13:e0194098). This amino acid position is not well conserved in available vertebrate species. In addition, this alteration is predicted to be tolerated by in silico analysis. Since supporting evidence is limited at this time, the clinical significance of this alteration remains unclear.

GeneDx
Classification: Uncertain significance. Last evaluated: 2022-05-11. Review status: criteria provided, single submitter. Criteria: GeneDx Variant Classification Process June 2021. Collection method: clinical testing. Allele origin: germline. Affected: yes.
Comment: Not observed at significant frequency in large population cohorts (gnomAD); In silico analysis supports that this missense variant does not alter protein structure/function; Has not been previously published as pathogenic or benign to our knowledge

Sema4
Classification: Uncertain significance for Hereditary cancer-predisposing syndrome. Last evaluated: 2021-09-16. Review status: criteria provided, single submitter. Criteria: Sema4 Curation Guidelines. Collection method: curation. Allele origin: germline.
Comment: The MSH3 c.1846C>T (p.R616C) variant has not been reported in the literature to our knowledge. It was observed in 4/34586 chromosomes of the Latino subpopulation in the large and broad cohorts of the Genome Aggregation Database (PMID: 32461654). The variant has been reported in ClinVar (Variation ID 820187). Functional studies have not been performed, and in silico predictions of the variant's effect on protein function are inconclusive. The evidence is insufficient to meet ACMG/AMP criteria for classifying the variant as benign or pathogenic. Thus, the clinical significance of this variant is currently uncertain.

Literature cited by the submitters: PubMed 29641532 (cited by 3 submitters); PubMed 31911633 (cited by Quest Diagnostics Nichols Institute San Juan Capistrano); PubMed 39143272 (cited by Quest Diagnostics Nichols Institute San Juan Capistrano).